The following is an entry in ClinVar:

ClinVar aggregate classification (germline): Uncertain significance (1 of 4 stars; one submission).

Submission:

GeneDx
Classification: Uncertain significance. Last evaluated: 2024-02-13. Review status: criteria provided, single submitter. Criteria: GeneDx Variant Classification Process June 2021. Collection method: clinical testing. Allele origin: germline. Affected: yes.
Comment: Not observed at significant frequency in large population cohorts (gnomAD); In silico analysis supports that this missense variant has a deleterious effect on protein structure/function; Has not been previously published as pathogenic or benign to our knowledge

NM_001079872.2(CUL4B):c.2612G>A (p.Arg871Lys)

Gene: CUL4B (cullin 4B; minus strand). Cytogenetic location: Xq24.
Variant type: single nucleotide variant.
Coding change: c.2612G>A on transcript NM_001079872.2 (MANE Select); coding-DNA position 2612, G replaced by A.
Protein change: p.Arg871Lys; replaces arginine 871 with lysine.
Molecular consequence: missense variant.
Genome position (GRCh38, 1-based): chrX:120,526,837, C>T on the plus strand (G>A on the coding strand, the complement: CUL4B is on the minus strand). VCF-style: chrX-120526837-C-T. GRCh37 (hg19) VCF-style: chrX-119660692-C-T.
Other names: c.2627G>A, p.Arg876Lys (NM_001330624.2); c.2078G>A, p.Arg693Lys (NM_001369145.1); c.2666G>A, p.Arg889Lys (NM_003588.4); short protein forms R693K, R871K, R876K, R889K.
Identifiers: ClinVar variation 3369292 (VCV003369292.1).
Genomic context (GRCh38, chrX:120,526,837, plus strand): 5'-TACTGGTTTGGATTTTCTTTATCTCTTTCCATGTAGTCCCGGTCAATTAAAGATTCTATT[C>T]TCTTCTTAAGATCAGCAGGCTGTAAGAGAAGGCAAATTTTCAATGTAAAGTTCATTATCA-3'
Protein context (NP_001073341.1, residues 861-881): FPVKPADLKK[Arg871Lys]IESLIDRDYM